The following is an entry in ClinVar:

NM_183065.4(TMEM107):c.191_192del (p.Phe64fs)

Genes: TMEM107 (transmembrane protein 107; minus strand), LOC105371520 (uncharacterized LOC105371520; plus strand). Cytogenetic location: 17p13.1.
Variant type: Deletion.
Coding change: c.191_192del on transcript NM_183065.4 (MANE Select); coding-DNA positions 191 to 192, 2 bases deleted (TT; older notation c.191_192delTT).
Protein change: p.Phe64fs; shifts the reading frame from phenylalanine 64.
Molecular consequence: frameshift variant. On other transcripts: intron variant (1).
Genome position (GRCh38, 1-based): chr17:8,175,821-8,175,822, AA deleted on the plus strand (TT on the coding strand, the reverse complement: TMEM107 is on the minus strand); deleting any 2 consecutive bases within chr17:8,175,821-8,175,823 gives the same sequence; the c. name uses the placement nearest the transcript's 3' end. VCF-style (leftmost placement, unchanged base first): chr17-8175820-CAA-C. GRCh37 (hg19) VCF-style: chr17-8079138-CAA-C.
Other names: c.209_210del, p.Phe70fs (NM_001351278.2, NM_032354.5); c.191_192del, p.Phe64fs (NM_001351279.2); c.155+137_155+138del (NM_001351280.2); short protein forms F70fs, F64fs.
Identifiers: ClinVar variation 1377250 (VCV001377250.6), dbSNP rs770768585, ClinGen allele CA8371013.
Genomic context (GRCh38, chr17:8,175,820, plus strand): 5'-TGAGGCTCTGGGTGCTGTTGAACATGGAGACTCCTGAGAGGAAACCGGCCAGCTCCACTG[CAA>C]AGAGGCCCAGGGTGACAGAGAGCGCGGCCACCAGCCTGCAGAGAGGAAGTGGACTGGCCC-3'

ClinVar aggregate classification (germline): Pathogenic (1 of 4 stars; one submission).

Submission:

Labcorp Genetics (formerly Invitae), Labcorp
Classification: Pathogenic. Last evaluated: 2024-09-16. Review status: criteria provided, single submitter. Criteria: Invitae Variant Classification Sherloc (09022015). Collection method: clinical testing. Allele origin: germline.
Comment: This sequence change creates a premature translational stop signal (p.Phe70Cysfs*28) in the TMEM107 gene. It is expected to result in an absent or disrupted protein product. Loss-of-function variants in TMEM107 are known to be pathogenic (PMID: 22698544, 26123494). This variant is present in population databases (rs770768585, gnomAD 0.01%). This variant has not been reported in the literature in individuals affected with TMEM107-related conditions. ClinVar contains an entry for this variant (Variation ID: 1377250). For these reasons, this variant has been classified as Pathogenic.

Literature cited by the submitters: PubMed 22698544; PubMed 26123494.